The following is an entry in ClinVar:

NM_000094.4(COL7A1):c.8744_8745del (p.Asn2915fs)

Gene: COL7A1 (collagen type VII alpha 1 chain; minus strand). Cytogenetic location: 3p21.31.
Variant type: Deletion.
Coding change: c.8744_8745del on transcript NM_000094.4 (MANE Select); coding-DNA positions 8744 to 8745, 2 bases deleted (AT; older notation c.8744_8745delAT).
Protein change: p.Asn2915fs; shifts the reading frame from asparagine 2915.
Molecular consequence: frameshift variant.
Genome position (GRCh38, 1-based): chr3:48,564,856-48,564,857, AT deleted on the plus strand (AT on the coding strand, the reverse complement: COL7A1 is on the minus strand). VCF-style (leftmost placement, unchanged base first): chr3-48564855-CAT-C. GRCh37 (hg19) VCF-style: chr3-48602288-CAT-C.
Other names: c.8744_8745del (NM_000094.3); short protein forms N2915fs.
Identifiers: ClinVar variation 3589237 (VCV003589237.3).
Genomic context (GRCh38, chr3:48,564,855, plus strand): 5'-TCTGGACCACCCGGGGTGGGCAGCGGCGCTCGCAGGCCTCACGGGTCCCAAAACGGTTGG[CAT>C]TCCCTCCACAGCCACCATAGACAAAAGGGTGACAGGCCTCTGTGCTGCCTGTCACAGCCC-3'

ClinVar aggregate classification (germline): Likely pathogenic. Review status: criteria provided, multiple submitters, no conflicts (2 of 4 stars). 2 submissions from 2 submitters: Likely pathogenic (2). Last evaluated 2025-01-28.

Conditions:
Epidermolysis bullosa dystrophica. Also called: Dystrophic epidermolysis bullosa, Hallopeau-Siemens type (formerly); Dystrophic epidermolysis bullosa. Identifiers: Orphanet 303, MedGen C0079294, MONDO:0006543.
Nonsyndromic congenital nail disorder 8. Also called: TOENAIL DYSTROPHY, ISOLATED. Identifiers: MedGen C1843761, MONDO:0011852, OMIM 607523.
Recessive dystrophic epidermolysis bullosa (RDEB). Also called: severe generalized recessive dystrophic epidermolysis bullosa; EPIDERMOLYSIS BULLOSA DYSTROPHICA, GENERALIZED SEVERE, AUTOSOMAL RECESSIVE; DYSTROPHIC EPIDERMOLYSIS BULLOSA, AUTOSOMAL RECESSIVE; EPIDERMOLYSIS BULLOSA DYSTROPHICA, HALLOPEAU-SIEMENS TYPE; epidermolysis bullosa dystrophica, autosomal recessive; Recessive DEB (RDEB). Identifiers: Orphanet 79408, Orphanet 79409, MedGen C0079474, MONDO:0009179, OMIM 226600.
Dominant dystrophic epidermolysis bullosa with absence of skin. Also called: EPIDERMOLYSIS BULLOSA WITH CONGENITAL LOCALIZED ABSENCE OF SKIN AND DEFORMITY OF NAILS; EPIDERMOLYSIS BULLOSA DYSTROPHICA, BART TYPE. Identifiers: MedGen C0268371, MONDO:0007557, OMIM 132000.
Generalized dominant dystrophic epidermolysis bullosa (DDEB). Also called: Dominant DEB (DDEB); DDEB, generalized; DDEB-gen; DYSTROPHIC EPIDERMOLYSIS BULLOSA, AUTOSOMAL DOMINANT; Epidermolysis bullosa dystrophica, autosomal dominant. Identifiers: Orphanet 231568, MedGen C0432322, MONDO:0007549, OMIM 131750.
Epidermolysis bullosa pruriginosa. Also called: DEB, PRURIGINOSA; DYSTROPHIC EPIDERMOLYSIS BULLOSA PRURIGINOSA. Identifiers: Orphanet 89843, MedGen C1275114, MONDO:0011398, OMIM 604129.
Transient bullous dermolysis of the newborn (TBDN). Also called: DYSTROPHIC EPIDERMOLYSIS BULLOSA, NEONATAL; EPIDERMOLYSIS BULLOSA DYSTROPHICA, NEONATAL FORM. Identifiers: Orphanet 79411, MedGen C1851573, MONDO:0007548, OMIM 131705.
Pretibial dystrophic epidermolysis bullosa. Also called: Pretibial epidermolysis bullosa; EPIDERMOLYSIS BULLOSA DYSTROPHICA, PRETIBIAL; Pretibial blistering. Identifiers: Orphanet 79410, MedGen C0432321, MONDO:0007552, OMIM 131850, HP:0012221.

Submissions (2):

Natera, Inc.
Classification: Likely pathogenic for Dystrophic epidermolysis bullosa. Last evaluated: 2025-01-28. Review status: criteria provided, single submitter. Criteria: Natera Variant Classification Schema (03/2026). Collection method: clinical testing. Allele origin: germline.
Comment: The c.8744_8745del variant in COL7A1 is a frameshift variant predicted to shift the reading frame beginning at codon 2915 and leads to a stop codon 8 codons downstream. This variant is expected to result in nonsense mediated decay, truncation, or a dysfunctional protein product. This variant is rare in the general population with a frequency below the threshold expected for the associated phenotype(s). Given the available evidence, this variant is classified as Likely Pathogenic.

Fulgent Genetics
Classification: Likely pathogenic for Transient bullous dermolysis of the newborn; Generalized dominant dystrophic epidermolysis bullosa; Pretibial dystrophic epidermolysis bullosa; Dominant dystrophic epidermolysis bullosa with absence of skin; Recessive dystrophic epidermolysis bullosa; Epidermolysis bullosa pruriginosa; Nonsyndromic congenital nail disorder 8. Last evaluated: 2024-04-04. Review status: criteria provided, single submitter. Criteria: ACMG Guidelines, 2015. Collection method: clinical testing. Allele origin: germline.